The following is an entry in ClinVar:

ClinVar aggregate classification (germline): Pathogenic (1 of 4 stars; one submission).

Conditions:
Neurofibromatosis, type 1 (NF1). Also called: VON RECKLINGHAUSEN DISEASE; Peripheral type neurofibromatosis; NEUROFIBROMATOSIS, TYPE I, SOMATIC; Neurofibromatosis, type I. Identifiers: Orphanet 636, MedGen C0027831, MONDO:0018975, OMIM 162200. Disease mechanism: loss of function.

Submission:

Labcorp Genetics (formerly Invitae), Labcorp
Classification: Pathogenic for Neurofibromatosis, type 1. Last evaluated: 2020-07-28. Review status: criteria provided, single submitter. Criteria: Invitae Variant Classification Sherloc (09022015). Collection method: clinical testing. Allele origin: germline.
Comment: This variant is an out-of-frame deletion of the genomic region encompassing exon(s) 48-49 of the NF1 gene. This is expected to create a premature translational stop signal and result in an absent or disrupted protein product. This variant has not been reported in the literature in individuals with NF1-related conditions. Loss-of-function variants in NF1 are known to be pathogenic (PMID: 10712197, 23913538). For these reasons, this variant has been classified as Pathogenic.

Literature cited by the submitters: PubMed 10712197; PubMed 23913538.

NC_000017.10:g.(?_29676126)_(29677346_?)del

Gene: NF1 (neurofibromin 1; plus strand). Cytogenetic location: 17q11.2.
Variant type: Deletion.
Identifiers: ClinVar variation 1074107 (VCV001074107.1).